The following is an entry in ClinVar:

NM_002485.5(NBN):c.143T>G (p.Leu48Ter)

Gene: NBN (nibrin; minus strand). Cytogenetic location: 8q21.3.
Variant type: single nucleotide variant.
Coding change: c.143T>G on transcript NM_002485.5 (MANE Select); coding-DNA position 143, T replaced by G.
Protein change: p.Leu48Ter; replaces leucine 48 with a stop codon.
Molecular consequence: nonsense. On other transcripts: 5 prime UTR variant (1).
Genome position (GRCh38, 1-based): chr8:89,982,750, A>C on the plus strand (T>G on the coding strand, the complement: NBN is on the minus strand). VCF-style: chr8-89982750-A-C. GRCh37 (hg19) VCF-style: chr8-90994978-A-C.
Other names: c.-154T>G (NM_001024688.3); short protein forms L48*.
Identifiers: ClinVar variation 1459788 (VCV001459788.6), dbSNP rs2129924518, ClinGen allele CA371662994.

ClinVar aggregate classification (germline): Pathogenic (1 of 4 stars; one submission).

Conditions:
Microcephaly, normal intelligence and immunodeficiency (NBS). Also called: BERLIN BREAKAGE SYNDROME; Immunodeficiency, microcephaly with normal intelligence; Nijmegen breakage syndrome; Microcephaly with normal intelligence immunodeficiency and lymphoreticular malignancies; Nonsyndromal microcephaly autosomal recessive with normal intelligence; Seemanova syndrome 2. Identifiers: Orphanet 647, MedGen C0398791, MONDO:0009623, OMIM 251260.

Submission:

Labcorp Genetics (formerly Invitae), Labcorp
Classification: Pathogenic for Microcephaly, normal intelligence and immunodeficiency. Last evaluated: 2022-06-13. Review status: criteria provided, single submitter. Criteria: Invitae Variant Classification Sherloc (09022015). Collection method: clinical testing. Allele origin: germline.
Comment: This sequence change creates a premature translational stop signal (p.Leu48*) in the NBN gene. It is expected to result in an absent or disrupted protein product. Loss-of-function variants in NBN are known to be pathogenic (PMID: 9590180, 16415040). For these reasons, this variant has been classified as Pathogenic. This variant has not been reported in the literature in individuals affected with NBN-related conditions. This variant is not present in population databases (gnomAD no frequency).

Literature cited by the submitters: PubMed 9590180; PubMed 16415040.